The following is an entry in ClinVar:

ClinVar aggregate classification (germline): Uncertain significance (1 of 4 stars; one submission).

Conditions:
Focal segmental glomerulosclerosis 2 (FSGS2). Identifiers: Orphanet 656, MedGen C1858915, MONDO:0011390, OMIM 603965.

Submission:

MVZ Medizinische Genetik Mainz
Classification: Uncertain significance for Focal segmental glomerulosclerosis 2. Last evaluated: 2024-11-14. Review status: criteria provided, single submitter. Criteria: UK Practice Guidelines For Variant Classification V4 01 2020. Collection method: clinical testing. Allele origin: germline. Inheritance: Autosomal dominant inheritance. Affected: yes. Observed: 1 variant allele.
Comment: ACMG Criteria: PM2_SUP

NM_004621.6(TRPC6):c.532G>T (p.Glu178Ter)

Gene: TRPC6 (transient receptor potential cation channel subfamily C member 6; minus strand). Cytogenetic location: 11q22.1.
Variant type: single nucleotide variant.
Coding change: c.532G>T on transcript NM_004621.6 (MANE Select); coding-DNA position 532, G replaced by T.
Protein change: p.Glu178Ter; replaces glutamic acid 178 with a stop codon.
Molecular consequence: nonsense.
Genome position (GRCh38, 1-based): chr11:101,504,437, C>A on the plus strand (G>T on the coding strand, the complement: TRPC6 is on the minus strand). VCF-style: chr11-101504437-C-A. GRCh37 (hg19) VCF-style: chr11-101375168-C-A.
Other names: short protein forms E178*.
Identifiers: ClinVar variation 3383229 (VCV003383229.1).
Genomic context (GRCh38, chr11:101,504,437, plus strand): 5'-GGCTAGGGCTGGTTGCTAACCTCTTGCCTTCAGCAAAAGCCGGATGACTGAGAATTGCTT[C>A]CACAATCCGAACATAACCTTTACTAATAGCTAGAAGCAAAGCATCCCCAACTCGAGAGAG-3'